The following is an entry in ClinVar:

NM_020812.4(DOCK6):c.112C>T (p.Arg38Cys)

Gene: DOCK6 (dedicator of cytokinesis 6; minus strand). Cytogenetic location: 19p13.2.
Variant type: single nucleotide variant.
Coding change: c.112C>T on transcript NM_020812.4 (MANE Select); coding-DNA position 112, C replaced by T.
Protein change: p.Arg38Cys; replaces arginine 38 with cysteine.
Molecular consequence: missense variant.
Genome position (GRCh38, 1-based): chr19:11,253,659, G>A on the plus strand (C>T on the coding strand, the complement: DOCK6 is on the minus strand). VCF-style: chr19-11253659-G-A. GRCh37 (hg19) VCF-style: chr19-11364335-G-A.
Other names: c.112C>T, p.Arg38Cys (NM_001367830.1); c.112C>T (NM_020812.2); short protein forms R38C.
Identifiers: ClinVar variation 2146886 (VCV002146886.3), dbSNP rs369491468, ClinGen allele CA9208634.
Genomic context (GRCh38, chr19:11,253,659, plus strand): 5'-AGAGGGCAGAGGGCTGGGGGCGGACCCCCCAAATACTTACCCCCAGGGAGCTGCTGCAGC[G>A]CCTGCTGGAGTGGGGGGAGCCACTGCGTTCCCGGGACACCTGCTTCCGCACCTCTGCGGC-3'
Protein context (NP_065863.2, residues 28-48): ERSGSPHSSR[Arg38Cys]CSSSLGVPLT

ClinVar aggregate classification (germline): Uncertain significance. Review status: criteria provided, multiple submitters, no conflicts (2 of 4 stars). 3 submissions from 3 submitters: Uncertain significance (3). Last evaluated 2025-02-06.

Conditions:
Inborn genetic diseases. Identifiers: MedGen C0950123, MeSH D030342.

Allele frequency attached by ClinVar (database versions not stated): ESP Exome Variant Server 0.00008; TOPMed 0.00009; gnomAD 0.00011; ExAC 0.00018; 1000 Genomes Project 0.00040; 1000 Genomes Project 30x 0.00047.

Submissions (3):

Women's Health and Genetics/Laboratory Corporation of America, LabCorp
Classification: Uncertain significance. Last evaluated: 2025-02-06. Review status: criteria provided, single submitter. Criteria: LabCorp Variant Classification Summary - May 2015. Collection method: clinical testing. Allele origin: germline.
Comment: Variant summary: DOCK6 c.112C>T (p.Arg38Cys) results in a non-conservative amino acid change in the encoded protein sequence. Three of five in-silico tools predict a benign effect of the variant on protein function. The variant allele was found at a frequency of 9.7e-05 in 82394 control chromosomes. The available data on variant occurrences in the general population are insufficient to allow any conclusion about variant significance. To our knowledge, no occurrence of c.112C>T in individuals affected with Adams-Oliver Syndrome 2 and no experimental evidence demonstrating its impact on protein function have been reported. ClinVar contains an entry for this variant (Variation ID: 2146886). Based on the evidence outlined above, the variant was classified as uncertain significance.

Ambry Genetics
Classification: Uncertain significance for Inborn genetic diseases. Last evaluated: 2023-10-05. Review status: criteria provided, single submitter. Criteria: Ambry Variant Classification Scheme 2023. Collection method: clinical testing. Allele origin: germline.

Labcorp Genetics (formerly Invitae), Labcorp
Classification: Uncertain significance. Last evaluated: 2021-12-02. Review status: criteria provided, single submitter. Criteria: Invitae Variant Classification Sherloc (09022015). Collection method: clinical testing. Allele origin: germline.
Comment: This sequence change replaces arginine, which is basic and polar, with cysteine, which is neutral and slightly polar, at codon 38 of the DOCK6 protein (p.Arg38Cys). The frequency data for this variant in the population databases is considered unreliable, as metrics indicate poor data quality at this position in the gnomAD database. This variant has not been reported in the literature in individuals affected with DOCK6-related conditions. Algorithms developed to predict the effect of missense changes on protein structure and function (SIFT, PolyPhen-2, Align-GVGD) all suggest that this variant is likely to be tolerated. Algorithms developed to predict the effect of sequence changes on RNA splicing suggest that this variant may create or strengthen a splice site. In summary, the available evidence is currently insufficient to determine the role of this variant in disease. Therefore, it has been classified as a Variant of Uncertain Significance.